The following is an entry in ClinVar:

ClinVar aggregate classification (germline): Uncertain significance (1 of 4 stars; one submission).

Submission:

GeneDx
Classification: Uncertain significance. Last evaluated: 2025-12-18. Review status: criteria provided, single submitter. Criteria: GeneDx Variant Classification Process June 2021. Collection method: clinical testing. Allele origin: germline. Affected: yes.
Comment: Not observed at significant frequency in large population cohorts (gnomAD); In silico analysis supports a deleterious effect on splicing; Has not been previously published as pathogenic or benign to our knowledge

NM_001378120.1(MBD5):c.3753+3A>G

Gene: MBD5 (methyl-CpG binding domain protein 5; plus strand). Cytogenetic location: 2q23.1.
Variant type: single nucleotide variant.
Coding change: c.3753+3A>G on transcript NM_001378120.1 (MANE Select); 3 bases into the intron after coding-DNA position 3753, A replaced by G.
Molecular consequence: intron variant.
Genome position (GRCh38, 1-based): chr2:148,485,953, A>G. VCF-style: chr2-148485953-A-G. GRCh37 (hg19) VCF-style: chr2-149243522-A-G.
Other names: c.3054+3A>G (NM_018328.5).
Identifiers: ClinVar variation 1711904 (VCV001711904.3), dbSNP rs2469997452, ClinGen allele CA2580064002.